The following is an entry in ClinVar:

ClinVar aggregate classification (germline): Uncertain significance. Review status: criteria provided, multiple submitters, no conflicts (2 of 4 stars). 6 submissions from 6 submitters: Uncertain significance (3). 3 of the submissions do not count toward it. Last evaluated 2025-05-08.

Conditions:
Methylmalonic aciduria, cblB type (MACB). Also called: Vitamin B12-responsive methylmalonic acidemia type cblB; METHYLMALONIC ACIDURIA, VITAMIN B12-RESPONSIVE, DUE TO DEFECT IN SYNTHESIS OF ADENOSYLCOBALAMIN, cblB TYPE; Methylmalonic acidemia cblB type. Identifiers: Orphanet 28, Orphanet 79311, MedGen C1855102, MONDO:0009614, OMIM 251110.

Submissions (6):

GeneDx
Classification: Uncertain significance. Last evaluated: 2025-05-08. Review status: criteria provided, single submitter. Criteria: GeneDx Variant Classification Process June 2021. Collection method: clinical testing. Allele origin: germline. Affected: yes.
Comment: In-frame deletion of 6 amino acids in a non-repeat region; In silico analysis suggests that this variant does not alter protein structure/function; Has not been previously published as pathogenic or benign to our knowledge

Fulgent Genetics
Classification: Uncertain significance for Methylmalonic aciduria, cblB type. Last evaluated: 2024-03-04. Review status: criteria provided, single submitter. Criteria: ACMG Guidelines, 2015. Collection method: clinical testing. Allele origin: germline.

Labcorp Genetics (formerly Invitae), Labcorp
Classification: Uncertain significance for Methylmalonic aciduria, cblB type. Last evaluated: 2022-08-22. Review status: criteria provided, single submitter. Criteria: Invitae Variant Classification Sherloc (09022015). Collection method: clinical testing. Allele origin: germline.
Comment: This variant, c.37_54del, results in the deletion of 6 amino acid(s) of the MMAB protein (p.Gly13_Leu18del), but otherwise preserves the integrity of the reading frame. This variant is present in population databases (rs770077320, gnomAD 0.02%). This variant has not been reported in the literature in individuals affected with MMAB-related conditions. ClinVar contains an entry for this variant (Variation ID: 208198). Experimental studies and prediction algorithms are not available or were not evaluated, and the functional significance of this variant is currently unknown. In summary, the available evidence is currently insufficient to determine the role of this variant in disease. Therefore, it has been classified as a Variant of Uncertain Significance.

Natera, Inc.
Classification: Uncertain significance for Methylmalonic aciduria cblB type. Last evaluated: 2020-07-21. Review status: no assertion criteria provided. Collection method: clinical testing. Allele origin: germline. Not counted in ClinVar's aggregate classification.

Counsyl
Classification: Uncertain significance for Methylmalonic aciduria, cblB type. Last evaluated: 2017-02-21. Review status: no assertion criteria provided. Collection method: clinical testing. Allele origin: unknown. Not counted in ClinVar's aggregate classification.

Inserm U 954, Faculté de Médecine de Nancy
No classification provided. Review status: no classification provided. Collection method: not provided. Allele origin: unknown. Not counted in ClinVar's aggregate classification.

NM_052845.4(MMAB):c.19GGGAGCCGTCTTGGCCTG[1] (p.7GSRLGL[1])

Genes: MMAB (metabolism of cobalamin associated B; minus strand), MVK (mevalonate kinase; plus strand). Cytogenetic location: 12q24.11.
Variant type: Microsatellite.
Coding change: c.19GGGAGCCGTCTTGGCCTG[1] on transcript NM_052845.4 (MANE Select); one copy of the 18-base unit GGGAGCCGTCTTGGCCTG starting at c.19; the reference has two copies in a row; one copy, 18 bases deleted; also written c.37_54del.
Protein change: p.7GSRLGL[1].
Molecular consequence: inframe deletion. On other transcripts: non-coding transcript variant (1).
Genome position (GRCh38, 1-based): chr12:109,573,427-109,573,444, CAGGCCAAGACGGCTCCC deleted on the plus strand (GGGAGCCGTCTTGGCCTG on the coding strand, the reverse complement: MMAB is on the minus strand); deleting any 18 consecutive bases within chr12:109,573,427-109,573,468 gives the same sequence; the position shown is the placement nearest the transcript's 3' end. VCF-style (leftmost placement, unchanged base first): chr12-109573426-GCAGGCCAAGACGGCTCCC-G. GRCh37 (hg19) VCF-style: chr12-110011231-GCAGGCCAAGACGGCTCCC-G.
Other names: c.37_54del (NM_052845.4).
Identifiers: ClinVar variation 208198 (VCV000208198.13), dbSNP rs770077320, ClinGen allele CA278520.